The following is an entry in ClinVar:

NM_001365276.2(TNXB):c.7493C>T (p.Ala2498Val)

Gene: TNXB (tenascin XB; minus strand). Cytogenetic location: 6p21.33.
Variant type: single nucleotide variant.
Coding change: c.7493C>T on transcript NM_001365276.2 (MANE Select); coding-DNA position 7493, C replaced by T.
Protein change: p.Ala2498Val; replaces alanine 2498 with valine.
Molecular consequence: missense variant.
Genome position (GRCh38, 1-based): chr6:32,058,390, G>A on the plus strand (C>T on the coding strand, the complement: TNXB is on the minus strand). VCF-style: chr6-32058390-G-A. GRCh37 (hg19) VCF-style: chr6-32026167-G-A.
Other names: c.7493C>T, p.Ala2498Val (NM_019105.8); short protein forms A2498V.
Identifiers: ClinVar variation 2586124 (VCV002586124.2), dbSNP rs1280044615, ClinGen allele CA363551776.

ClinVar aggregate classification (germline): Uncertain significance (1 of 4 stars; one submission).

Conditions:
Cardiovascular phenotype. Identifiers: MedGen CN230736.

gnomAD v4.1: 1 of 1,597,704 alleles (0.000063%); highest among the groups gnomAD compares: African/African-American, 0.0014%; no homozygotes.

Submission:

Ambry Genetics
Classification: Uncertain significance for Cardiovascular phenotype. Last evaluated: 2023-08-03. Review status: criteria provided, single submitter. Criteria: Ambry Variant Classification Scheme 2023. Collection method: clinical testing. Allele origin: germline.
Comment: The p.A2498V variant (also known as c.7493C>T) is located in coding exon 21 of the TNXB gene. The alanine at codon 2498 is replaced by valine, an amino acid with similar properties. This change occurs in the first base pair of coding exon 21. This amino acid position is conserved. In addition, this alteration is predicted to be tolerated by in silico analysis. Since supporting evidence is limited at this time, the clinical significance of this alteration remains unclear.